The following is an entry in ClinVar:

ClinVar aggregate classification (germline): Likely benign (0 of 4 stars; one submission).

Conditions:
HADHB-related disorder. Also called: HADHB-related condition.

Allele frequency attached by ClinVar (database versions not stated): gnomAD 0.00001; TOPMed 0.00001.
gnomAD v4.1: 1 of 152,204 alleles (0.00066%); highest among the groups gnomAD compares: African/African-American, 0.0024%; no homozygotes.

Submission:

PreventionGenetics, part of Exact Sciences
Classification: Likely benign for HADHB-related condition. Last evaluated: 2023-05-19. Review status: no assertion criteria provided. Collection method: clinical testing. Allele origin: germline.
Comment: This variant is classified as likely benign based on ACMG/AMP sequence variant interpretation guidelines (Richards et al. 2015 PMID: 25741868, with internal and published modifications).

NM_000183.3(HADHB):c.442+665A>G

Gene: HADHB (hydroxyacyl-CoA dehydrogenase trifunctional multienzyme complex subunit beta; plus strand). Cytogenetic location: 2p23.3.
Variant type: single nucleotide variant.
Coding change: c.442+665A>G on transcript NM_000183.3 (MANE Select); 665 bases into the intron after coding-DNA position 442, A replaced by G.
Molecular consequence: intron variant.
Genome position (GRCh38, 1-based): chr2:26,277,825, A>G. VCF-style: chr2-26277825-A-G. GRCh37 (hg19) VCF-style: chr2-26500693-A-G.
Other names: c.376+665A>G (NM_001281513.2); c.397+665A>G (NM_001281512.2).
Identifiers: ClinVar variation 3051929 (VCV003051929.2), dbSNP rs1009516588, ClinGen allele CA44334718.